The following is an entry in ClinVar:

NM_019597.5(HNRNPH2):c.978_979del (p.Arg326fs)

Genes: HNRNPH2 (heterogeneous nuclear ribonucleoprotein H2; plus strand), RPL36A-HNRNPH2 (RPL36A-HNRNPH2 readthrough; plus strand). Cytogenetic location: Xq22.1.
Variant type: Microsatellite.
Coding change: c.978_979del on transcript NM_019597.5 (MANE Select); coding-DNA positions 978 to 979, 2 bases deleted (AG; older notation c.978_979delAG).
Protein change: p.Arg326fs; shifts the reading frame from arginine 326.
Molecular consequence: frameshift variant. On other transcripts: 3 prime UTR variant (2).
Genome position (GRCh38, 1-based): chrX:101,412,966-101,412,967, AG deleted; deleting any 2 consecutive bases within chrX:101,412,964-101,412,967 gives the same sequence; the c. name uses the placement nearest the transcript's 3' end. VCF-style (leftmost placement, unchanged base first): chrX-101412963-CAG-C. GRCh37 (hg19) VCF-style: chrX-100667951-CAG-C.
Other names: c.*972AG[1] (NM_001199973.2, NM_001199974.2); c.978_979del, p.Arg326fs (NM_001032393.3); short protein forms R326fs.
Identifiers: ClinVar variation 4687982 (VCV004687982.1).

ClinVar aggregate classification (germline): Likely pathogenic (1 of 4 stars; one submission).

Conditions:
Intellectual developmental disorder, X-linked, syndromic, Bain type. Also called: Intellectual disability, X-linked, syndromic, Bain type; HNRNPH2-Related Neurodevelopmental Disorder. Identifiers: Orphanet 662198, MedGen C4310814, MONDO:0010512, OMIM 300986.

Submission:

Human Genetics Bochum, Ruhr University Bochum
Classification: Likely pathogenic for Intellectual developmental disorder, X-linked, syndromic, Bain type. Last evaluated: 2024-08-13. Review status: criteria provided, single submitter. Criteria: ACMG Guidelines, 2015. Collection method: clinical testing. Allele origin: germline. Affected: yes.
Comment: ACMG criteria used to clasify this variant: PVS1_STR, PM1_SUP, PM2_SUP